The following is an entry in ClinVar:

ClinVar aggregate classification (germline): Benign/Likely benign. Review status: criteria provided, multiple submitters, no conflicts (2 of 4 stars). 2 submissions from 2 submitters: Benign (1); Likely benign (1). Last evaluated 2025-12-11.

Allele frequency attached by ClinVar (database versions not stated): TOPMed 0.00001; gnomAD 0.00002; gnomAD exomes 0.00002 and 0.00006; ExAC 0.00006.
gnomAD v4.1: 31 of 1,612,416 alleles (0.0019%); highest among the groups gnomAD compares: Non-Finnish European, 0.00017%; no homozygotes.

Submissions (2):

Labcorp Genetics (formerly Invitae), Labcorp
Classification: Benign. Last evaluated: 2025-12-11. Review status: criteria provided, single submitter. Criteria: Invitae Variant Classification Sherloc (09022015). Collection method: clinical testing. Allele origin: germline.

Mayo Clinic Laboratories, Mayo Clinic
Classification: Likely benign. Last evaluated: 2025-06-02. Review status: criteria provided, single submitter. Criteria: ACMG Guidelines, 2015. Collection method: clinical testing. Allele origin: germline. Observed: 1 variant allele.
Comment: BS1, BP4, BP7

NM_000361.3(THBD):c.1032G>A (p.Gln344=)

Gene: THBD (thrombomodulin; minus strand). Cytogenetic location: 20p11.21.
Variant type: single nucleotide variant.
Coding change: c.1032G>A on transcript NM_000361.3 (MANE Select); coding-DNA position 1032, G replaced by A.
Protein change: p.Gln344=; no amino-acid change (glutamine 344 retained).
Molecular consequence: synonymous variant.
Genome position (GRCh38, 1-based): chr20:23,048,473, C>T on the plus strand (G>A on the coding strand, the complement: THBD is on the minus strand). VCF-style: chr20-23048473-C-T. GRCh37 (hg19) VCF-style: chr20-23029110-C-T.
Other names: p.Gln344=.
Identifiers: ClinVar variation 1547846 (VCV001547846.9), dbSNP rs754916981, ClinGen allele CA9787636.
Genomic context (GRCh38, chr20:23,048,473, plus strand): 5'-CTCCACACACTCGCCGTCCACCAGGTCGTAGTTAGGGTAGCAGTGGCACTCGAAGCCACC[C>T]TGTGTGTTGACACAGCGCTGCGGACACGGACTGGGCTCCAGTATGCAGTCATCCACGTCC-3'
Protein context (NP_000352.1, residues 334-354): SPCPQRCVNT[Gln344=]GGFECHCYPN